The following is an entry in ClinVar:

NM_052947.4(ALPK2):c.1032G>T (p.Trp344Cys)

Genes: ALPK2 (alpha kinase 2; minus strand), LOC114803473 (ALPK2 eExon liver enhancer; plus strand). Cytogenetic location: 18q21.31.
Variant type: single nucleotide variant.
Coding change: c.1032G>T on transcript NM_052947.4 (MANE Select); coding-DNA position 1032, G replaced by T.
Protein change: p.Trp344Cys; replaces tryptophan 344 with cysteine.
Molecular consequence: missense variant.
Genome position (GRCh38, 1-based): chr18:58,579,744, C>A on the plus strand (G>T on the coding strand, the complement: ALPK2 is on the minus strand). VCF-style: chr18-58579744-C-A. GRCh37 (hg19) VCF-style: chr18-56246976-C-A.
Other names: short protein forms W344C.
Identifiers: ClinVar variation 1771656 (VCV001771656.3), dbSNP rs2518899552, ClinGen allele CA402565020.

ClinVar aggregate classification (germline): Uncertain significance (1 of 4 stars; one submission).

Submission:

Ambry Genetics
Classification: Uncertain significance. Last evaluated: 2024-07-06. Review status: criteria provided, single submitter. Criteria: Ambry Variant Classification Scheme 2023. Collection method: clinical testing. Allele origin: germline.
Comment: The p.W344C variant (also known as c.1032G>T), located in coding exon 3 of the ALPK2 gene, results from a G to T substitution at nucleotide position 1032. The tryptophan at codon 344 is replaced by cysteine, an amino acid with highly dissimilar properties. This amino acid position is conserved. In addition, the in silico prediction for this alteration is inconclusive. Since supporting evidence is limited at this time, the clinical significance of this alteration remains unclear.